The following is an entry in ClinVar:

ClinVar aggregate classification (germline): Likely pathogenic (1 of 4 stars; one submission).

Submission:

Athena Diagnostics
Classification: Likely pathogenic. Last evaluated: 2019-03-22. Review status: criteria provided, single submitter. Criteria: Athena Diagnostics Criteria. Collection method: clinical testing. Allele origin: germline.
Comment: The variant disrupts a canonical splice site, and is therefore predicted to result in the loss of a functional protein. Not found in the total gnomAD dataset, and the data is high quality (0/270034 chr).

NM_006946.4(SPTBN2):c.4986-2A>C

Gene: SPTBN2 (spectrin beta, non-erythrocytic 2; minus strand). Cytogenetic location: 11q13.2.
Variant type: single nucleotide variant.
Coding change: c.4986-2A>C on transcript NM_006946.4 (MANE Select); the canonical splice acceptor site of the intron before coding-DNA position 4986, A replaced by C.
Molecular consequence: splice acceptor variant.
Genome position (GRCh38, 1-based): chr11:66,692,742, T>G on the plus strand (A>C on the coding strand, the complement: SPTBN2 is on the minus strand). VCF-style: chr11-66692742-T-G. GRCh37 (hg19) VCF-style: chr11-66460213-T-G.
Other names: c.5007-2A>C (NM_001411025.1).
Identifiers: ClinVar variation 805789 (VCV000805789.1), dbSNP rs1450514987, ClinGen allele CA381468289.